The following is an entry in ClinVar:

ClinVar aggregate classification (germline): Uncertain significance. Review status: criteria provided, multiple submitters, no conflicts (2 of 4 stars). 2 submissions from 2 submitters: Uncertain significance (2). Last evaluated 2022-04-16.

Conditions:
Severe combined immunodeficiency due to DNA-PKcs deficiency. Also called: Immunodeficiency 26 with or without neurologic abnormalities; IMMUNODEFICIENCY 26 WITH NEUROLOGIC ABNORMALITIES. Identifiers: Orphanet 317425, MedGen C4014833, MONDO:0014423, OMIM 615966.

Allele frequency attached by ClinVar (database versions not stated): gnomAD exomes 0.00001 and 0.00002; ExAC 0.00002; TOPMed 0.00002; gnomAD 0.00003.
gnomAD v4.1: 17 of 1,613,110 alleles (0.0011%); highest among the groups gnomAD compares: East Asian, 0.033%; no homozygotes.

Submissions (2):

Labcorp Genetics (formerly Invitae), Labcorp
Classification: Uncertain significance for Severe combined immunodeficiency due to DNA-PKcs deficiency. Last evaluated: 2022-04-16. Review status: criteria provided, single submitter. Criteria: Invitae Variant Classification Sherloc (09022015). Collection method: clinical testing. Allele origin: germline.
Comment: This sequence change replaces leucine, which is neutral and non-polar, with valine, which is neutral and non-polar, at codon 2725 of the PRKDC protein (p.Leu2725Val). This variant is present in population databases (rs766994936, gnomAD 0.03%). This variant has not been reported in the literature in individuals affected with PRKDC-related conditions. ClinVar contains an entry for this variant (Variation ID: 642180). In summary, the available evidence is currently insufficient to determine the role of this variant in disease. Therefore, it has been classified as a Variant of Uncertain Significance.

Blueprint Genetics
Classification: Uncertain significance. Last evaluated: 2020-07-24. Review status: criteria provided, single submitter. Criteria: ACMG Guidelines, 2015. Collection method: clinical testing. Allele origin: germline.

NM_006904.7(PRKDC):c.8173C>G (p.Leu2725Val)

Gene: PRKDC (protein kinase, DNA-activated, catalytic subunit; minus strand). Cytogenetic location: 8q11.21.
Variant type: single nucleotide variant.
Coding change: c.8173C>G on transcript NM_006904.7 (MANE Select); coding-DNA position 8173, C replaced by G.
Protein change: p.Leu2725Val; replaces leucine 2725 with valine.
Molecular consequence: missense variant.
Genome position (GRCh38, 1-based): chr8:47,831,906, G>C on the plus strand (C>G on the coding strand, the complement: PRKDC is on the minus strand). VCF-style: chr8-47831906-G-C. GRCh37 (hg19) VCF-style: chr8-48744467-G-C.
Other names: c.8173C>G, p.Leu2725Val (NM_001081640.2); short protein forms L2725V.
Identifiers: ClinVar variation 642180 (VCV000642180.4), dbSNP rs766994936, ClinGen allele CA4739903.